The following is an entry in ClinVar:

NM_181727.2(SPATA12):c.36A>G (p.Leu12=)

Genes: ARHGEF3 (Rho guanine nucleotide exchange factor 3; minus strand), SPATA12 (spermatogenesis associated 12; plus strand). Cytogenetic location: 3p14.3.
Variant type: single nucleotide variant.
Coding change: c.36A>G on transcript NM_181727.2 (MANE Select); coding-DNA position 36, A replaced by G.
Protein change: p.Leu12=; no amino-acid change (leucine 12 retained).
Molecular consequence: synonymous variant. On other transcripts: intron variant (7).
Genome position (GRCh38, 1-based): chr3:57,073,730, A>G. VCF-style: chr3-57073730-A-G. GRCh37 (hg19) VCF-style: chr3-57107758-A-G.
Other names: c.-32+5496T>C (NM_001377411.1); c.-154+5496T>C (NM_001377410.1); c.-28+5496T>C (NM_001128615.2); c.-243+5496T>C (NM_001377409.1); c.-243+3016T>C (NM_001377408.1); c.-32+4817T>C (NM_001377412.1); c.-28+4817T>C (NM_001377407.1).
Identifiers: ClinVar variation 2653909 (VCV002653909.22), dbSNP rs149527467, ClinGen allele CA2462432.

ClinVar aggregate classification (germline): Likely benign (1 of 4 stars; one submission).

Allele frequency attached by ClinVar (database versions not stated): gnomAD 0.00085; gnomAD exomes 0.00066; ESP Exome Variant Server 0.00085; ExAC 0.00103; TOPMed 0.00083.
gnomAD v4.1: 1,196 of 1,614,058 alleles (0.074%); highest among the groups gnomAD compares: Non-Finnish European, 0.013%; 17 homozygotes.

Submission:

CeGaT Center for Human Genetics Tuebingen
Classification: Likely benign. Last evaluated: 2022-12-01. Review status: criteria provided, single submitter. Criteria: CeGaT Center For Human Genetics Tuebingen Variant Classification Criteria Version 2. Collection method: clinical testing. Allele origin: germline. Affected: yes. Observed: 1 variant allele.
Comment: SPATA12: BP4, BP7